The following is an entry in ClinVar:

ClinVar aggregate classification (germline): Uncertain significance. Review status: criteria provided, multiple submitters, no conflicts (2 of 4 stars). 3 submissions from 3 submitters: Uncertain significance (3). Last evaluated 2025-02-20.

Conditions:
Developmental and epileptic encephalopathy, 64. Also called: EPILEPTIC ENCEPHALOPATHY, EARLY INFANTILE, 64. Identifiers: MedGen C4693899, MONDO:0033373, OMIM 618004.

Allele frequency attached by ClinVar (database versions not stated): gnomAD exomes below 0.00001.
gnomAD v4.1: 1 of 1,614,154 alleles (0.000062%); highest among the groups gnomAD compares: Middle Eastern, 0.016%; no homozygotes.

Submissions (3):

Labcorp Genetics (formerly Invitae), Labcorp
Classification: Uncertain significance. Last evaluated: 2025-02-20. Review status: criteria provided, single submitter. Criteria: Invitae Variant Classification Sherloc (09022015). Collection method: clinical testing. Allele origin: germline.
Comment: This sequence change replaces tryptophan, which is neutral and slightly polar, with serine, which is neutral and polar, at codon 723 of the RHOBTB2 protein (p.Trp723Ser). This variant is not present in population databases (gnomAD no frequency). This variant has not been reported in the literature in individuals affected with RHOBTB2-related conditions. ClinVar contains an entry for this variant (Variation ID: 1027751). Invitae Evidence Modeling of protein sequence and biophysical properties (such as structural, functional, and spatial information, amino acid conservation, physicochemical variation, residue mobility, and thermodynamic stability) indicates that this missense variant is not expected to disrupt RHOBTB2 protein function with a negative predictive value of 80%. In summary, the available evidence is currently insufficient to determine the role of this variant in disease. Therefore, it has been classified as a Variant of Uncertain Significance.

Genomic Medicine Center of Excellence, King Faisal Specialist Hospital and Research Centre
Classification: Uncertain significance for Developmental and epileptic encephalopathy, 64. Last evaluated: 2024-12-19. Review status: criteria provided, single submitter. Criteria: ACMG Guidelines, 2015. Collection method: clinical testing. Allele origin: germline.

Baylor Genetics
Classification: Uncertain significance for Developmental and epileptic encephalopathy, 64. Last evaluated: 2019-08-16. Review status: criteria provided, single submitter. Criteria: ACMG Guidelines, 2015. Collection method: clinical testing. Allele origin: unknown. Affected: yes.
Comment: This variant was determined to be of uncertain significance according to ACMG Guidelines, 2015 [PMID:25741868].

NM_015178.3(RHOBTB2):c.2102G>C (p.Trp701Ser)

Gene: RHOBTB2 (Rho related BTB domain containing 2; plus strand). Cytogenetic location: 8p21.3.
Variant type: single nucleotide variant.
Coding change: c.2102G>C on transcript NM_015178.3 (MANE Select); coding-DNA position 2102, G replaced by C.
Protein change: p.Trp701Ser; replaces tryptophan 701 with serine.
Molecular consequence: missense variant.
Genome position (GRCh38, 1-based): chr8:23,017,387, G>C. VCF-style: chr8-23017387-G-C. GRCh37 (hg19) VCF-style: chr8-22874900-G-C.
Other names: c.2168G>C, p.Trp723Ser (NM_001160036.2); c.2123G>C, p.Trp708Ser (NM_001160037.2); c.2102G>C, p.Trp701Ser (NM_001374791.1); short protein forms W708S, W723S, W701S.
Identifiers: ClinVar variation 1027751 (VCV001027751.3), dbSNP rs1811324175, ClinGen allele CA370577294.